The following is an entry in ClinVar:

NM_000090.4(COL3A1):c.278C>A (p.Thr93Asn)

Gene: COL3A1 (collagen type III alpha 1 chain; plus strand). Cytogenetic location: 2q32.2.
Variant type: single nucleotide variant.
Coding change: c.278C>A on transcript NM_000090.4 (MANE Select); coding-DNA position 278, C replaced by A.
Protein change: p.Thr93Asn; replaces threonine 93 with asparagine.
Molecular consequence: missense variant.
Genome position (GRCh38, 1-based): chr2:188,984,958, C>A. VCF-style: chr2-188984958-C-A. GRCh37 (hg19) VCF-style: chr2-189849684-C-A.
Other names: short protein forms T93N.
Identifiers: ClinVar variation 1490685 (VCV001490685.6), dbSNP rs2153501376, ClinGen allele CA349847452.

ClinVar aggregate classification (germline): Uncertain significance (1 of 4 stars; one submission).

Conditions:
Ehlers-Danlos syndrome, type 4 (EDSVASC). Also called: Ehlers-Danlos syndrome vascular type; Ehlers Danlos syndrome, ecchymotic type; Ehlers Danlos syndrome, arterial type; Ehlers Danlos syndrome, Sack-Barabas type; Ehlers-Danlos Syndrome Type IV. Identifiers: Orphanet 286, MedGen C0268338, MONDO:0017314, OMIM 130050.

Submission:

Labcorp Genetics (formerly Invitae), Labcorp
Classification: Uncertain significance for Ehlers-Danlos syndrome, type 4. Last evaluated: 2022-07-19. Review status: criteria provided, single submitter. Criteria: Invitae Variant Classification Sherloc (09022015). Collection method: clinical testing. Allele origin: germline.
Comment: In summary, the available evidence is currently insufficient to determine the role of this variant in disease. Therefore, it has been classified as a Variant of Uncertain Significance. Advanced modeling of protein sequence and biophysical properties (such as structural, functional, and spatial information, amino acid conservation, physicochemical variation, residue mobility, and thermodynamic stability) performed at Invitae indicates that this missense variant is not expected to disrupt COL3A1 protein function. ClinVar contains an entry for this variant (Variation ID: 1490685). This variant has not been reported in the literature in individuals affected with COL3A1-related conditions. This variant is not present in population databases (gnomAD no frequency). This sequence change replaces threonine, which is neutral and polar, with asparagine, which is neutral and polar, at codon 93 of the COL3A1 protein (p.Thr93Asn).